The following is an entry in ClinVar:

NM_003888.4(ALDH1A2):c.223-6dup

Gene: ALDH1A2 (aldehyde dehydrogenase 1 family member A2; minus strand). Cytogenetic location: 15q21.3.
Variant type: Duplication.
Coding change: c.223-6dup on transcript NM_003888.4 (MANE Select); 6 bases into the intron before coding-DNA position 223, one base duplicated (T; older notation c.223-6dupT).
Molecular consequence: intron variant. On other transcripts: 5 prime UTR variant (1).
Genome position (GRCh38, 1-based): chr15:58,014,004, A duplicated on the plus strand (T on the coding strand, the reverse complement: ALDH1A2 is on the minus strand). VCF-style (leftmost placement, unchanged base first): chr15-58014003-T-TA. GRCh37 (hg19) VCF-style: chr15-58306201-T-TA.
Other names: c.-72dup (NM_170697.3); c.223-6dup (NM_170696.3); c.160-6dup (NM_001206897.2).
Identifiers: ClinVar variation 3039063 (VCV003039063.2), dbSNP rs531169877, ClinGen allele CA7584156.

ClinVar aggregate classification (germline): Benign (0 of 4 stars; one submission).

Conditions:
ALDH1A2-related disorder. Also called: ALDH1A2-related condition.

Allele frequency attached by ClinVar (database versions not stated): TOPMed 0.00004; gnomAD 0.00024; gnomAD exomes 0.00044; ExAC 0.00101; 1000 Genomes Project 0.00140.

Submission:

PreventionGenetics, part of Exact Sciences
Classification: Benign for ALDH1A2-related condition. Last evaluated: 2019-05-20. Review status: no assertion criteria provided. Collection method: clinical testing. Allele origin: germline.
Comment: This variant is classified as benign based on ACMG/AMP sequence variant interpretation guidelines (Richards et al. 2015 PMID: 25741868, with internal and published modifications).